The following is an entry in ClinVar:

ClinVar aggregate classification (germline): Conflicting classifications of pathogenicity. Review status: criteria provided, conflicting classifications (1 of 4 stars). 2 submissions from 2 submitters: Pathogenic (1); Uncertain significance (1). Last evaluated 2024-12-12.

Conditions:
Hereditary cancer-predisposing syndrome. Also called: Hereditary neoplastic syndrome; Tumor predisposition; Neoplastic Syndromes, Hereditary; Hereditary Cancer Syndrome. Identifiers: Orphanet 140162, MedGen C0027672, MeSH D009386, MONDO:0015356.

Submissions (2):

Ambry Genetics
Classification: Uncertain significance for Hereditary cancer-predisposing syndrome. Last evaluated: 2024-12-12. Review status: criteria provided, single submitter. Criteria: Ambry Variant Classification Scheme 2023. Collection method: clinical testing. Allele origin: germline.
Comment: The c.3432delC variant, located in coding exon 28 of the POLE gene, results from a deletion of one nucleotide at nucleotide position 3432, causing a translational frameshift with a predicted alternate stop codon (p.I1145Sfs*10). This alteration is expected to result in loss of function by premature protein truncation or nonsense-mediated mRNA decay. Loss-of-function variants subject to nonsense mediated decay (NMD) in POLE are known to cause POLE-deficiency; however, such associations with POLE-related polymerase proofreading-associated polyposis (PPAP) have not been reported. Based on the supporting evidence, this alteration is pathogenic for POLE-deficiency; however, the association of this alteration with POLE-related polymerase proofreading-associated polyposis (PPAP) is unknown.

Labcorp Genetics (formerly Invitae), Labcorp
Classification: Pathogenic. Last evaluated: 2023-05-13. Review status: criteria provided, single submitter. Criteria: Invitae Variant Classification Sherloc (09022015). Collection method: clinical testing. Allele origin: germline.
Comment: For these reasons, this variant has been classified as Pathogenic. This variant has not been reported in the literature in individuals affected with POLE-related conditions. This variant is not present in population databases (gnomAD no frequency). This sequence change creates a premature translational stop signal (p.Ile1145Serfs*10) in the POLE gene. It is expected to result in an absent or disrupted protein product. Loss-of-function variants in POLE are known to be pathogenic (PMID: 23230001, 25948378, 30503519).

Literature cited by the submitters: PubMed 23230001 (cited by Labcorp Genetics (formerly Invitae), Labcorp); PubMed 25948378 (cited by Labcorp Genetics (formerly Invitae), Labcorp); PubMed 30503519 (cited by Labcorp Genetics (formerly Invitae), Labcorp).

NM_006231.4(POLE):c.3432del (p.Ile1145fs)

Gene: POLE (DNA polymerase epsilon, catalytic subunit; minus strand). Cytogenetic location: 12q24.33.
Variant type: Deletion.
Coding change: c.3432del on transcript NM_006231.4 (MANE Select); coding-DNA position 3432, one base deleted (C; older notation c.3432delC).
Protein change: p.Ile1145fs; shifts the reading frame from isoleucine 1145.
Molecular consequence: frameshift variant.
Genome position (GRCh38, 1-based): chr12:132,657,376, G deleted on the plus strand (C on the coding strand, the reverse complement: POLE is on the minus strand). VCF-style (leftmost placement, unchanged base first): chr12-132657375-TG-T. GRCh37 (hg19) VCF-style: chr12-133233961-TG-T.
Other names: c.3432delC (NM_006231.2); short protein forms I1145fs.
Identifiers: ClinVar variation 2863839 (VCV002863839.4), dbSNP rs2542002104, ClinGen allele CA2739277433.